The following is an entry in ClinVar:

NM_000069.3(CACNA1S):c.5583C>G (p.His1861Gln)

Gene: CACNA1S (calcium voltage-gated channel subunit alpha1 S; minus strand). Cytogenetic location: 1q32.1.
Variant type: single nucleotide variant.
Coding change: c.5583C>G on transcript NM_000069.3 (MANE Select); coding-DNA position 5583, C replaced by G.
Protein change: p.His1861Gln; replaces histidine 1861 with glutamine.
Molecular consequence: missense variant.
Genome position (GRCh38, 1-based): chr1:201,039,870, G>C on the plus strand (C>G on the coding strand, the complement: CACNA1S is on the minus strand). VCF-style: chr1-201039870-G-C. GRCh37 (hg19) VCF-style: chr1-201008998-G-C.
Other names: short protein forms H1861Q.
Identifiers: ClinVar variation 1430210 (VCV001430210.9), dbSNP rs764110964, ClinGen allele CA083905.
Genomic context (GRCh38, chr1:201,039,870, plus strand): 5'-CATGCTGATGCTGTGTGGGCATCACAGCCTTGGAGGAATAAGGGTCTCCTGGGAGCCCTG[G>C]TGTTGGTCGAGGCTGCCCAGGGAGGACCCGAGGTTCAGGCATCCCAGGGAGCTGGCCATG-3'
Protein context (NP_000060.2, residues 1851-1871): LGSSLGSLDQ[His1861Gln]QGSQETLIPP

ClinVar aggregate classification (germline): Uncertain significance. Review status: criteria provided, multiple submitters, no conflicts (2 of 4 stars). 2 submissions from 2 submitters: Uncertain significance (2). Last evaluated 2023-12-13.

Conditions:
Malignant hyperthermia, susceptibility to, 5 (MHS5). Also called: CACNA1S-Related Malignant Hyperthermia Susceptibility. Identifiers: Orphanet 423, MedGen C1866077, MONDO:0011163, OMIM 601887.
Hypokalemic periodic paralysis, type 1. Also called: HypoPP; Hypokalemic Periodic Paralysis Type 1 (AD). Identifiers: Orphanet 681, MedGen C3714580, MONDO:0042979, OMIM 170400.

Allele frequency attached by ClinVar (database versions not stated): ExAC 0.00002.
gnomAD v4.1: 7 of 1,610,674 alleles (0.00043%); highest among the groups gnomAD compares: Non-Finnish European, 0.00059%; no homozygotes.

Submissions (2):

All of Us Research Program, National Institutes of Health
Classification: Uncertain significance for Malignant hyperthermia, susceptibility to, 5. Last evaluated: 2023-12-13. Review status: criteria provided, single submitter. Criteria: ACMG Guidelines, 2015. Collection method: clinical testing. Allele origin: germline. Inheritance: Autosomal dominant inheritance. Observed: 2 variant alleles, 2 heterozygotes.
Comment: This missense variant replaces histidine with glutamine at codon 1861 of the CACNA1S protein. Computational prediction suggests that this variant may not impact protein structure and function (internally defined REVEL score threshold <= 0.5, PMID: 27666373). To our knowledge, functional studies have not been reported for this variant. This variant has not been reported in individuals affected with CACNA1S-related disorders in the literature. This variant has been identified in 3/248950 chromosomes in the general population by the Genome Aggregation Database (gnomAD). The available evidence is insufficient to determine the role of this variant in disease conclusively. Therefore, this variant is classified as a Variant of Uncertain Significance.

This study involves interpretation of variants in research participants for the purpose of population health screening. Participant phenotype was not available at the time of variant classification. Additional details can be found in publication PMID: 35346344, PMCID: PMC8962531

Labcorp Genetics (formerly Invitae), Labcorp
Classification: Uncertain significance for Hypokalemic periodic paralysis, type 1; Malignant hyperthermia, susceptibility to, 5. Last evaluated: 2022-09-19. Review status: criteria provided, single submitter. Criteria: Invitae Variant Classification Sherloc (09022015). Collection method: clinical testing. Allele origin: germline.
Comment: Algorithms developed to predict the effect of sequence changes on RNA splicing suggest that this variant may create or strengthen a splice site. Advanced modeling of protein sequence and biophysical properties (such as structural, functional, and spatial information, amino acid conservation, physicochemical variation, residue mobility, and thermodynamic stability) performed at Invitae indicates that this missense variant is not expected to disrupt CACNA1S protein function. ClinVar contains an entry for this variant (Variation ID: 1430210). This variant has not been reported in the literature in individuals affected with CACNA1S-related conditions. This variant is present in population databases (rs764110964, gnomAD 0.003%). This sequence change replaces histidine, which is basic and polar, with glutamine, which is neutral and polar, at codon 1861 of the CACNA1S protein (p.His1861Gln). In summary, the available evidence is currently insufficient to determine the role of this variant in disease. Therefore, it has been classified as a Variant of Uncertain Significance.